The following is an entry in ClinVar:

ClinVar aggregate classification (germline): Likely benign (1 of 4 stars; one submission).

Conditions:
Breast-ovarian cancer, familial, susceptibility to, 2 (BROVCA2). Also called: BRCA2 Hereditary Breast and Ovarian Cancer. Identifiers: Orphanet 145, MedGen C2675520, MONDO:0012933, OMIM 612555. Disease mechanism: loss of function.

Submission:

Cancer Bioinformatics and Tumour Evolution Laboratory, Monash University
Classification: Likely benign for Breast-ovarian cancer, familial, susceptibility to, 2. Last evaluated: 2026-05-01. Review status: criteria provided, single submitter. Criteria: ClinGen BRCA1 and BRCA2 Guidelines, 2024. Collection method: curation. Allele origin: germline. Inheritance: Autosomal dominant inheritance.
Comment: PMID: 39281752 - A large scale study to determine the case-control LR of BRCA1 and BRCA2 variants. The data was consolidated in the ccLR browser. This variant was found in the browser with a LR of 0.746075691 which is in the no evidence range according to the BRCA1 and BRCA2 VCEP. Hence, no evidence code is applied. Missense variant outside of a functional domain with no splice impact. BRCA1 and BRCA2 VCEP guidelines recommend application of BP1_Strong (PMID: 39142283)

Literature cited by the submitters: PubMed 39281752.

NM_000059.4(BRCA2):c.2317C>T (p.Pro773Ser)

Gene: BRCA2 (BRCA2 DNA repair associated; plus strand). Cytogenetic location: 13q13.1.
Variant type: single nucleotide variant.
Coding change: c.2317C>T on transcript NM_000059.4 (MANE Select); coding-DNA position 2317, C replaced by T.
Protein change: p.Pro773Ser; replaces proline 773 with serine.
Molecular consequence: missense variant. On other transcripts: non-coding transcript variant (1), intron variant (2).
Genome position (GRCh38, 1-based): chr13:32,336,672, C>T. VCF-style: chr13-32336672-C-T. GRCh37 (hg19) VCF-style: chr13-32910809-C-T.
Other names: c.2317C>T, p.Pro773Ser (NM_001406719.1, NM_001406720.1, NM_001432077.1); c.1909+3285C>T (NM_001406721.1); c.424+5642C>T (NM_001406722.1); short protein forms P773S.
Identifiers: ClinVar variation 4856492 (VCV004856492.1).